The following is an entry in ClinVar:

NM_000535.7(PMS2):c.863A>C (p.Gln288Pro)

Gene: PMS2 (PMS1 homolog 2, mismatch repair system component; minus strand). Cytogenetic location: 7p22.1.
Variant type: single nucleotide variant.
Coding change: c.863A>C on transcript NM_000535.7 (MANE Select); coding-DNA position 863, A replaced by C.
Protein change: p.Gln288Pro; replaces glutamine 288 with proline.
Molecular consequence: missense variant. On other transcripts: 5 prime UTR variant (2), non-coding transcript variant (1), intron variant (4).
Genome position (GRCh38, 1-based): chr7:5,995,574, T>G on the plus strand (A>C on the coding strand, the complement: PMS2 is on the minus strand). VCF-style: chr7-5995574-T-G. GRCh37 (hg19) VCF-style: chr7-6035205-T-G.
Other names: c.458A>C, p.Gln153Pro (NM_001322003.2, NM_001322004.2, NM_001322005.2 and 19 more transcripts); c.863A>C, p.Gln288Pro (NM_001322006.2, NM_001322014.2, NM_001406870.1 and 2 more transcripts); c.545A>C, p.Gln182Pro (NM_001322007.2, NM_001322008.2, NM_001406876.1 and 4 more transcripts); c.-71A>C (NM_001322011.2, NM_001322012.2); c.290A>C, p.Gln97Pro (NM_001322013.2, NM_001406909.1); c.554A>C, p.Gln185Pro (NM_001322015.2, NM_001406875.1, NM_001406877.1 and 6 more transcripts); c.1049A>C, p.Gln350Pro (NM_001406866.1); c.887A>C, p.Gln296Pro (NM_001406868.1); and 8 more; short protein forms Q117P, Q182P, Q185P, Q288P, Q97P, Q232P, Q350P, Q153P.
Identifiers: ClinVar variation 4711160 (VCV004711160.1).

ClinVar aggregate classification (germline): Uncertain significance (1 of 4 stars; one submission).

Conditions:
Hereditary nonpolyposis colorectal neoplasms. Identifiers: MedGen C0009405, MeSH D003123.

Submission:

Labcorp Genetics (formerly Invitae), Labcorp
Classification: Uncertain significance for Hereditary nonpolyposis colorectal neoplasms. Last evaluated: 2025-11-22. Review status: criteria provided, single submitter. Criteria: Invitae Variant Classification Sherloc (09022015). Collection method: clinical testing. Allele origin: germline.
Comment: This sequence change replaces glutamine, which is neutral and polar, with proline, which is neutral and non-polar, at codon 288 of the PMS2 protein (p.Gln288Pro). This variant is not present in population databases (gnomAD no frequency). This variant has not been reported in the literature in individuals affected with PMS2-related conditions. Invitae Evidence Modeling incorporating data from in vitro experimental studies (internal data) indicates that this missense variant is expected to disrupt PMS2 function with a positive predictive value of 95%. In summary, the available evidence is currently insufficient to determine the role of this variant in disease. Therefore, it has been classified as a Variant of Uncertain Significance.